The following is an entry in ClinVar:

ClinVar aggregate classification (germline): Uncertain significance (1 of 4 stars; one submission).

Submission:

GeneDx
Classification: Uncertain significance. Last evaluated: 2024-09-30. Review status: criteria provided, single submitter. Criteria: GeneDx Variant Classification Process June 2021. Collection method: clinical testing. Allele origin: germline. Affected: yes.
Comment: Not observed at significant frequency in large population cohorts (gnomAD); In silico analysis supports that this missense variant has a deleterious effect on protein structure/function; Has not been previously published as pathogenic or benign to our knowledge

NM_001283009.2(RTEL1):c.470A>T (p.His157Leu)

Genes: RTEL1 (regulator of telomere elongation helicase 1; plus strand), RTEL1-TNFRSF6B (RTEL1-TNFRSF6B readthrough (NMD candidate); plus strand). Cytogenetic location: 20q13.33.
Variant type: single nucleotide variant.
Coding change: c.470A>T on transcript NM_001283009.2 (MANE Select); coding-DNA position 470, A replaced by T.
Protein change: p.His157Leu; replaces histidine 157 with leucine.
Molecular consequence: missense variant. On other transcripts: non-coding transcript variant (1), 5 prime UTR variant (1).
Genome position (GRCh38, 1-based): chr20:63,662,620, A>T. VCF-style: chr20-63662620-A-T. GRCh37 (hg19) VCF-style: chr20-62293973-A-T.
Other names: c.-200A>T (NM_001283010.1); c.470A>T, p.His157Leu (NM_016434.4); c.542A>T, p.His181Leu (NM_032957.5); short protein forms H157L, H181L.
Identifiers: ClinVar variation 3774742 (VCV003774742.1).